The following is an entry in ClinVar:

ClinVar aggregate classification (germline): Likely benign (1 of 4 stars; one submission).

Allele frequency attached by ClinVar (database versions not stated): gnomAD exomes 0.00045; gnomAD 0.00053; ESP Exome Variant Server 0.00054; TOPMed 0.00059; ExAC 0.00070; 1000 Genomes Project 0.00080; 1000 Genomes Project 30x 0.00094.

Submission:

CeGaT Center for Human Genetics Tuebingen
Classification: Likely benign. Last evaluated: 2022-08-01. Review status: criteria provided, single submitter. Criteria: CeGaT Center For Human Genetics Tuebingen Variant Classification Criteria Version 2. Collection method: clinical testing. Allele origin: germline. Affected: yes. Observed: 1 variant allele.
Comment: TTLL12: BP4, BP7

NM_015140.4(TTLL12):c.597G>A (p.Ser199=)

Gene: TTLL12 (tubulin tyrosine ligase like 12; minus strand). Cytogenetic location: 22q13.2.
Variant type: single nucleotide variant.
Coding change: c.597G>A on transcript NM_015140.4 (MANE Select); coding-DNA position 597, G replaced by A.
Protein change: p.Ser199=; no amino-acid change (serine 199 retained).
Molecular consequence: synonymous variant.
Genome position (GRCh38, 1-based): chr22:43,179,950, C>T on the plus strand (G>A on the coding strand, the complement: TTLL12 is on the minus strand). VCF-style: chr22-43179950-C-T. GRCh37 (hg19) VCF-style: chr22-43575956-C-T.
Identifiers: ClinVar variation 2653266 (VCV002653266.24), dbSNP rs142003726, ClinGen allele CA10273677.